The following is an entry in ClinVar:

NM_022124.6(CDH23):c.1386_1389del (p.Gln462fs)

Gene: CDH23 (cadherin related 23; plus strand). Cytogenetic location: 10q22.1.
Variant type: Microsatellite.
Coding change: c.1386_1389del on transcript NM_022124.6 (MANE Select); coding-DNA positions 1386 to 1389, 4 bases deleted (GCCA; older notation c.1386_1389delGCCA).
Protein change: p.Gln462fs; shifts the reading frame from glutamine 462.
Molecular consequence: frameshift variant.
Genome position (GRCh38, 1-based): chr10:71,646,554-71,646,557, GCCA deleted; deleting any 4 consecutive bases within chr10:71,646,548-71,646,557 gives the same sequence; the c. name uses the placement nearest the transcript's 3' end. VCF-style (leftmost placement, unchanged base first): chr10-71646547-TCAGC-T. GRCh37 (hg19) VCF-style: chr10-73406304-TCAGC-T.
Other names: c.1386_1389del, p.Gln462fs (NM_001171930.2, NM_001171931.2, NM_052836.4); short protein forms Q462fs.
Identifiers: ClinVar variation 847374 (VCV000847374.9), dbSNP rs1862873659, ClinGen allele CA916083137.
Genomic context (GRCh38, chr10:71,646,547, plus strand): 5'-ATGTGGGCTATGCCAAGGTGAAGATCACTCTCATCAATGAAAATGACAACCGGCCCATCT[TCAGC>T]CAGCCACTGTACAACATCAGCCTGTACGAGAACGTCACCGTGGGGACCTCTGTGCTGACA-3'

ClinVar aggregate classification (germline): Pathogenic/Likely pathogenic. Review status: criteria provided, multiple submitters, no conflicts (2 of 4 stars). 2 submissions from 2 submitters: Pathogenic (1); Likely pathogenic (1). Last evaluated 2024-01-27.

Conditions:
Pituitary adenoma 5, multiple types. Identifiers: MedGen C4539685, MONDO:0054601, OMIM 617540.

Submissions (2):

Baylor Genetics
Classification: Likely pathogenic for Pituitary adenoma 5, multiple types. Last evaluated: 2024-01-27. Review status: criteria provided, single submitter. Criteria: ACMG Guidelines, 2015. Collection method: clinical testing. Allele origin: unknown.

Labcorp Genetics (formerly Invitae), Labcorp
Classification: Pathogenic. Last evaluated: 2021-02-13. Review status: criteria provided, single submitter. Criteria: Invitae Variant Classification Sherloc (09022015). Collection method: clinical testing. Allele origin: germline.
Comment: This sequence change creates a premature translational stop signal (p.Gln462Hisfs*18) in the CDH23 gene. It is expected to result in an absent or disrupted protein product. Loss-of-function variants in CDH23 are known to be pathogenic (PMID: 11138009, 21940737). This variant is not present in population databases (ExAC no frequency). This variant has not been reported in the literature in individuals with CDH23-related conditions. ClinVar contains an entry for this variant (Variation ID: 847374). For these reasons, this variant has been classified as Pathogenic.

Literature cited by the submitters: PubMed 11138009 (cited by Labcorp Genetics (formerly Invitae), Labcorp); PubMed 21940737 (cited by Labcorp Genetics (formerly Invitae), Labcorp).